The following is an entry in ClinVar:

ClinVar aggregate classification (germline): Uncertain significance (1 of 4 stars; one submission).

Conditions:
Developmental and epileptic encephalopathy, 23 (DEE23). Also called: Epileptic encephalopathy, early infantile, 23. Identifiers: Orphanet 411986, MedGen C4014492, MONDO:0014371, OMIM 615859.

Allele frequency attached by ClinVar (database versions not stated): gnomAD exomes below 0.00001; ExAC 0.00001.
gnomAD v4.1: 1 of 1,613,716 alleles (0.000062%); highest among the groups gnomAD compares: Non-Finnish European, 0.000085%; no homozygotes.

Submission:

Labcorp Genetics (formerly Invitae), Labcorp
Classification: Uncertain significance for Developmental and epileptic encephalopathy, 23. Last evaluated: 2018-07-16. Review status: criteria provided, single submitter. Criteria: Invitae Variant Classification Sherloc (09022015). Collection method: clinical testing. Allele origin: germline.
Comment: In summary, the available evidence is currently insufficient to determine the role of this variant in disease. Therefore, it has been classified as a Variant of Uncertain Significance. Algorithms developed to predict the effect of missense changes on protein structure and function (SIFT, PolyPhen-2, Align-GVGD) all suggest that this variant is likely to be tolerated, but these predictions have not been confirmed by published functional studies and their clinical significance is uncertain. This variant has not been reported in the literature in individuals with DOCK7-related disease. This variant is present in population databases (rs768174598, ExAC 0.002%). This sequence change replaces valine with alanine at codon 1067 of the DOCK7 protein (p.Val1067Ala). The valine residue is moderately conserved and there is a small physicochemical difference between valine and alanine.

NM_001367561.1(DOCK7):c.3200T>C (p.Val1067Ala)

Gene: DOCK7 (dedicator of cytokinesis 7; minus strand). Cytogenetic location: 1p31.3.
Variant type: single nucleotide variant.
Coding change: c.3200T>C on transcript NM_001367561.1 (MANE Select); coding-DNA position 3200, T replaced by C.
Protein change: p.Val1067Ala; replaces valine 1067 with alanine.
Molecular consequence: missense variant.
Genome position (GRCh38, 1-based): chr1:62,539,645, A>G on the plus strand (T>C on the coding strand, the complement: DOCK7 is on the minus strand). VCF-style: chr1-62539645-A-G. GRCh37 (hg19) VCF-style: chr1-63005316-A-G.
Other names: c.3200T>C, p.Val1067Ala (NM_001271999.2, NM_001330614.2); c.3107T>C, p.Val1036Ala (NM_001272000.2, NM_001272001.2, NM_033407.4); short protein forms V1067A, V1036A.
Identifiers: ClinVar variation 648967 (VCV000648967.9), dbSNP rs768174598, ClinGen allele CA886053.